The following is an entry in ClinVar:

ClinVar aggregate classification (germline): Uncertain significance (1 of 4 stars; one submission).

Submission:

Labcorp Genetics (formerly Invitae), Labcorp
Classification: Uncertain significance. Last evaluated: 2022-12-04. Review status: criteria provided, single submitter. Criteria: Invitae Variant Classification Sherloc (09022015). Collection method: clinical testing. Allele origin: germline.
Comment: This sequence change replaces glycine, which is neutral and non-polar, with cysteine, which is neutral and slightly polar, at codon 807 of the PACS2 protein (p.Gly807Cys). This variant is not present in population databases (gnomAD no frequency). This variant has not been reported in the literature in individuals affected with PACS2-related conditions. Advanced modeling of protein sequence and biophysical properties (such as structural, functional, and spatial information, amino acid conservation, physicochemical variation, residue mobility, and thermodynamic stability) performed at Invitae indicates that this missense variant is expected to disrupt PACS2 protein function. In summary, the available evidence is currently insufficient to determine the role of this variant in disease. Therefore, it has been classified as a Variant of Uncertain Significance.

NM_001100913.3(PACS2):c.2419G>T (p.Gly807Cys)

Gene: PACS2 (phosphofurin acidic cluster sorting protein 2; plus strand). Cytogenetic location: 14q32.33.
Variant type: single nucleotide variant.
Coding change: c.2419G>T on transcript NM_001100913.3 (MANE Select); coding-DNA position 2419, G replaced by T.
Protein change: p.Gly807Cys; replaces glycine 807 with cysteine.
Molecular consequence: missense variant.
Genome position (GRCh38, 1-based): chr14:105,392,782, G>T. VCF-style: chr14-105392782-G-T. GRCh37 (hg19) VCF-style: chr14-105859119-G-T.
Other names: c.2149G>T, p.Gly717Cys (NM_001243127.3); c.2374G>T, p.Gly792Cys (NM_015197.4); short protein forms G717C, G792C, G807C.
Identifiers: ClinVar variation 2785727 (VCV002785727.3), dbSNP rs782776841, ClinGen allele CA391187988.